The following is an entry in ClinVar:

ClinVar aggregate classification (germline): Uncertain significance (1 of 4 stars; one submission).

Conditions:
Brugada syndrome 8 (BRGDA8). Identifiers: Orphanet 130, MedGen C2751083, MONDO:0013148, OMIM 613123.

Submission:

Labcorp Genetics (formerly Invitae), Labcorp
Classification: Uncertain significance for Brugada syndrome 8. Last evaluated: 2023-03-07. Review status: criteria provided, single submitter. Criteria: Invitae Variant Classification Sherloc (09022015). Collection method: clinical testing. Allele origin: germline.
Comment: This sequence change replaces leucine, which is neutral and non-polar, with proline, which is neutral and non-polar, at codon 608 of the HCN4 protein (p.Leu608Pro). This variant is not present in population databases (gnomAD no frequency). This variant has not been reported in the literature in individuals affected with HCN4-related conditions. Advanced modeling of protein sequence and biophysical properties (such as structural, functional, and spatial information, amino acid conservation, physicochemical variation, residue mobility, and thermodynamic stability) performed at Invitae indicates that this missense variant is expected to disrupt HCN4 protein function. In summary, the available evidence is currently insufficient to determine the role of this variant in disease. Therefore, it has been classified as a Variant of Uncertain Significance.

NM_005477.3(HCN4):c.1823T>C (p.Leu608Pro)

Gene: HCN4 (hyperpolarization activated cyclic nucleotide gated potassium channel 4; minus strand). Cytogenetic location: 15q24.1.
Variant type: single nucleotide variant.
Coding change: c.1823T>C on transcript NM_005477.3 (MANE Select); coding-DNA position 1823, T replaced by C.
Protein change: p.Leu608Pro; replaces leucine 608 with proline.
Molecular consequence: missense variant.
Genome position (GRCh38, 1-based): chr15:73,325,110, A>G on the plus strand (T>C on the coding strand, the complement: HCN4 is on the minus strand). VCF-style: chr15-73325110-A-G. GRCh37 (hg19) VCF-style: chr15-73617451-A-G.
Other names: short protein forms L608P.
Identifiers: ClinVar variation 2843556 (VCV002843556.3), dbSNP rs2549069963, ClinGen allele CA393090801.